The following is an entry in ClinVar:

NM_002474.3(MYH11):c.5545A>G (p.Lys1849Glu)

Genes: MYH11 (myosin heavy chain 11; minus strand), NDE1 (nudE neurodevelopment protein 1; plus strand). Cytogenetic location: 16p13.11.
Variant type: single nucleotide variant.
Coding change: c.5545A>G on transcript NM_002474.3 (MANE Select); coding-DNA position 5545, A replaced by G.
Protein change: p.Lys1849Glu; replaces lysine 1849 with glutamic acid.
Molecular consequence: missense variant. On other transcripts: intron variant (2).
Genome position (GRCh38, 1-based): chr16:15,715,232, T>C on the plus strand (A>G on the coding strand, the complement: MYH11 is on the minus strand). VCF-style: chr16-15715232-T-C. GRCh37 (hg19) VCF-style: chr16-15809089-T-C.
Other names: c.5566A>G, p.Lys1856Glu (NM_001040113.2, NM_001040114.2); c.5545A>G, p.Lys1849Glu (NM_022844.3); c.948-8959T>C (NM_001143979.2, NM_017668.3); short protein forms K1849E, K1856E.
Identifiers: ClinVar variation 1196200 (VCV001196200.2), dbSNP rs2151192751, ClinGen allele CA394847457.

ClinVar aggregate classification (germline): Uncertain significance (1 of 4 stars; one submission).

Submission:

GeneDx
Classification: Uncertain significance. Last evaluated: 2021-01-13. Review status: criteria provided, single submitter. Criteria: GeneDx Variant Classification Process June 2021. Collection method: clinical testing. Allele origin: germline. Affected: yes.
Comment: Has not been previously published as pathogenic or benign to our knowledge; Not observed in large population cohorts (Lek et al., 2016); In silico analysis, which includes protein predictors and evolutionary conservation, supports a deleterious effect